The following is an entry in ClinVar:

NM_020975.6(RET):c.3175A>G (p.Asn1059Asp)

Gene: RET (ret proto-oncogene; plus strand). Cytogenetic location: 10q11.21.
Variant type: single nucleotide variant.
Coding change: c.3175A>G on transcript NM_020975.6 (MANE Select); coding-DNA position 3175, A replaced by G.
Protein change: p.Asn1059Asp; replaces asparagine 1059 with aspartic acid.
Molecular consequence: missense variant.
Genome position (GRCh38, 1-based): chr10:43,126,710, A>G. VCF-style: chr10-43126710-A-G. GRCh37 (hg19) VCF-style: chr10-43622158-A-G.
Other names: c.3046A>G, p.Asn1016Asp (NM_001406762.1, NM_001406764.1, NM_001406761.1); c.3040A>G, p.Asn1014Asp (NM_001406763.1, NM_001406765.1); c.3175A>G, p.Asn1059Asp (NM_000323.2, NM_001406743.1, NM_001406744.1 and 2 more transcripts); c.2413A>G, p.Asn805Asp (NM_001355216.2); c.2887A>G, p.Asn963Asp (NM_001406766.1, NM_001406767.1, NM_001406770.1); c.2911A>G, p.Asn971Asp (NM_001406768.1); c.2779A>G, p.Asn927Asp (NM_001406769.1, NM_001406772.1); c.2737A>G, p.Asn913Asp (NM_001406771.1, NM_001406773.1); and 10 more; short protein forms N805D, N1059D, N1016D, N576D, N760D, N927D, N624D, N717D.
Identifiers: ClinVar variation 849397 (VCV000849397.11), dbSNP rs1055571837, ClinGen allele CA376558539.
Genomic context (GRCh38, chr10:43,126,710, plus strand): 5'-CCGCTGGTGGACTGTAATAATGCCCCCCTCCCTCGAGCCCTCCCTTCCACATGGATTGAA[A>G]ACAAACTCTATGGTAGAATTTCCCATGCATTTACTAGATTCTAGCACCGCTGTCCCCTTT-3'
Protein context (NP_066124.1, residues 1049-1069): PRALPSTWIE[Asn1059Asp]KLYGMSDPNW

ClinVar aggregate classification (germline): Uncertain significance. Review status: criteria provided, multiple submitters, no conflicts (2 of 4 stars). 2 submissions from 2 submitters: Uncertain significance (2). Last evaluated 2024-12-18.

Conditions:
Hereditary cancer-predisposing syndrome. Also called: Tumor predisposition; Neoplastic Syndromes, Hereditary; Hereditary neoplastic syndrome; Hereditary Cancer Syndrome. Identifiers: Orphanet 140162, MedGen C0027672, MeSH D009386, MONDO:0015356.
Multiple endocrine neoplasia, type 2 (MEN2). Identifiers: Orphanet 653, MedGen C4048306, MONDO:0019003. Disease mechanism: gain of function.

gnomAD v4.1: 1 of 1,613,948 alleles (0.000062%); highest among the groups gnomAD compares: East Asian, 0.0022%; no homozygotes.

Submissions (2):

Ambry Genetics
Classification: Uncertain significance for Hereditary cancer-predisposing syndrome. Last evaluated: 2024-12-18. Review status: criteria provided, single submitter. Criteria: Ambry Variant Classification Scheme 2023. Collection method: clinical testing. Allele origin: germline.
Comment: The p.N1059D variant (also known as c.3175A>G), located in coding exon 19 of the RET gene, results from an A to G substitution at nucleotide position 3175. The asparagine at codon 1059 is replaced by aspartic acid, an amino acid with highly similar properties. This amino acid position is highly conserved in available vertebrate species. In addition, the in silico prediction for this alteration is inconclusive. Based on the available evidence, the clinical significance of this variant remains unclear.

Labcorp Genetics (formerly Invitae), Labcorp
Classification: Uncertain significance for Multiple endocrine neoplasia, type 2. Last evaluated: 2024-08-19. Review status: criteria provided, single submitter. Criteria: Invitae Variant Classification Sherloc (09022015). Collection method: clinical testing. Allele origin: germline.
Comment: This sequence change replaces asparagine, which is neutral and polar, with aspartic acid, which is acidic and polar, at codon 1059 of the RET protein (p.Asn1059Asp). This variant is not present in population databases (gnomAD no frequency). This variant has not been reported in the literature in individuals affected with RET-related conditions. ClinVar contains an entry for this variant (Variation ID: 849397). An algorithm developed to predict the effect of missense changes on protein structure and function (PolyPhen-2) suggests that this variant is likely to be disruptive. In summary, the available evidence is currently insufficient to determine the role of this variant in disease. Therefore, it has been classified as a Variant of Uncertain Significance.